The following is an entry in ClinVar:

ClinVar aggregate classification (germline): Uncertain significance (1 of 4 stars; one submission).

gnomAD v4.1: 38 of 1,611,612 alleles (0.0024%); highest among the groups gnomAD compares: South Asian, 0.035%; 1 homozygote.

Submission:

Labcorp Genetics (formerly Invitae), Labcorp
Classification: Uncertain significance. Last evaluated: 2025-09-16. Review status: criteria provided, single submitter. Criteria: Invitae Variant Classification Sherloc (09022015). Collection method: clinical testing. Allele origin: germline.
Comment: This sequence change affects codon 101 of the KL mRNA. It is a 'silent' change, meaning that it does not change the encoded amino acid sequence of the KL protein. This variant is present in population databases (rs558187283, gnomAD 0.03%). This variant has not been reported in the literature in individuals affected with KL-related conditions. Algorithms developed to predict the effect of sequence changes on RNA splicing suggest that this variant may create or strengthen a splice site. In summary, the available evidence is currently insufficient to determine the role of this variant in disease. Therefore, it has been classified as a Variant of Uncertain Significance.

NM_004795.4(KL):c.303G>A (p.Pro101=)

Gene: KL (klotho; plus strand). Cytogenetic location: 13q13.1.
Variant type: single nucleotide variant.
Coding change: c.303G>A on transcript NM_004795.4 (MANE Select); coding-DNA position 303, G replaced by A.
Protein change: p.Pro101=; no amino-acid change (proline 101 retained).
Molecular consequence: synonymous variant.
Genome position (GRCh38, 1-based): chr13:33,016,743, G>A. VCF-style: chr13-33016743-G-A. GRCh37 (hg19) VCF-style: chr13-33590881-G-A.
Identifiers: ClinVar variation 4695230 (VCV004695230.1).